The following is an entry in ClinVar:

NM_001267550.2(TTN):c.53824G>A (p.Glu17942Lys)

Genes: TTN (titin; minus strand), TTN-AS1 (TTN antisense RNA 1; plus strand). Cytogenetic location: 2q31.2.
Variant type: single nucleotide variant.
Coding change: c.53824G>A on transcript NM_001267550.2 (MANE Select); coding-DNA position 53824, G replaced by A.
Protein change: p.Glu17942Lys; replaces glutamic acid 17942 with lysine.
Molecular consequence: missense variant.
Genome position (GRCh38, 1-based): chr2:178,605,471, C>T on the plus strand (G>A on the coding strand, the complement: TTN is on the minus strand). VCF-style: chr2-178605471-C-T. GRCh37 (hg19) VCF-style: chr2-179470198-C-T.
Other names: c.48901G>A, p.Glu16301Lys (NM_001256850.1); c.26629G>A, p.Glu8877Lys (NM_003319.4); c.46120G>A, p.Glu15374Lys (NM_133378.4); c.27004G>A, p.Glu9002Lys (NM_133432.3); c.27205G>A, p.Glu9069Lys (NM_133437.4); short protein forms E17942K, E8877K, E9069K, E16301K, E9002K, E15374K.
Identifiers: ClinVar variation 4982089 (VCV004982089.1).

ClinVar aggregate classification (germline): Uncertain significance (1 of 4 stars; one submission).

Conditions:
TTN-related disorder. Also called: TTN-related disorders; TTN-related condition; TTN-related disease.

gnomAD v4.1: 4 of 1,611,654 alleles (0.00025%); highest among the groups gnomAD compares: African/African-American, 0.0053%; no homozygotes.

Submission:

PreventionGenetics, part of Exact Sciences
Classification: Uncertain significance for TTN-related condition. Last evaluated: 2026-07-17. Review status: criteria provided, single submitter. Criteria: ACMG Guidelines, 2015. Collection method: clinical testing. Allele origin: germline.
Comment: The TTN c.53824G>A variant is predicted to result in the amino acid substitution p.Glu17942Lys. To our knowledge, this variant has not been reported in the literature or in a large population database (gnomAD), indicating this variant is rare. At this time, the clinical significance of this variant is uncertain due to the absence of conclusive functional and genetic evidence.